The following is an entry in ClinVar:

ClinVar aggregate classification (germline): Uncertain significance (1 of 4 stars; one submission).

Conditions:
Inborn genetic diseases. Identifiers: MedGen C0950123, MeSH D030342.

gnomAD v4.1: 6 of 1,585,568 alleles (0.00038%); highest among the groups gnomAD compares: Non-Finnish European, 0.00051%; no homozygotes.

Submission:

Ambry Genetics
Classification: Uncertain significance for Inborn genetic diseases. Last evaluated: 2026-08-17. Review status: criteria provided, single submitter. Criteria: Ambry Variant Classification Scheme 2023. Collection method: clinical testing. Allele origin: germline.
Comment: The c.628C>G (p.L210V) alteration is located in exon 3 (coding exon 3) of the ESPN gene. This alteration results from a C to G substitution at nucleotide position 628, causing the leucine (L) at amino acid position 210 to be replaced by a valine (V). Based on data from gnomAD, the G allele has an overall frequency of 0.002% (3/200034) total alleles studied. The highest observed frequency was 0.004% (3/85726) of European (non-Finnish) alleles. Based on insufficient or conflicting evidence, the clinical significance of this alteration remains unclear.

NM_031475.3(ESPN):c.628C>G (p.Leu210Val)

Gene: ESPN (espin; plus strand). Cytogenetic location: 1p36.31.
Variant type: single nucleotide variant.
Coding change: c.628C>G on transcript NM_031475.3 (MANE Select); coding-DNA position 628, C replaced by G.
Protein change: p.Leu210Val; replaces leucine 210 with valine.
Molecular consequence: missense variant.
Genome position (GRCh38, 1-based): chr1:6,440,393, C>G. VCF-style: chr1-6440393-C-G. GRCh37 (hg19) VCF-style: chr1-6500453-C-G.
Other names: c.628C>G, p.Leu210Val (NM_001367473.1, NM_001367474.1); short protein forms L210V.
Identifiers: ClinVar variation 5036129 (VCV005036129.1).